The following is an entry in ClinVar:

ClinVar aggregate classification (germline): Pathogenic (1 of 4 stars; one submission).

Submission:

Quest Diagnostics Nichols Institute San Juan Capistrano
Classification: Pathogenic. Last evaluated: 2024-06-04. Review status: criteria provided, single submitter. Criteria: ACMG/ClinGen CNV Guidelines, 2019. Collection method: clinical testing. Allele origin: unknown.
Comment: This deletion contains the full STS (OMIM 300747) gene. Haploinsufficiency of STS is associated with X-linked ichthyosis (XLI; OMIM 308100; CCID:007950; Gubb 2020, Kent 2008, Myers 2020). There are no similar copy number losses of this region in the general populations of the Database of Genomic Variants. Thus, based on current medical literature and gene content, this copy number variant (CNV) is classified as pathogenic. References: Gubb et al., Hum Mol Genet. 2020 Oct 10;29(17):2872-2881. PMID: 32766777; Kent et al., J Med Genet. 2008 Aug;45(8):519-24. PMID: 18413370; Myers et al., Pediatr Neurol. 2020 Jul;108:113-116. PMID: 32299744

GRCh37/hg19 Xp22.31(chrX:6966446-7573818)x0

Genes: PUDP (pseudouridine 5'-phosphatase; minus strand), STS (steroid sulfatase; plus strand). Cytogenetic location: Xp22.31.
Variant type: copy number loss.
Change: copy number 0 of chrX:6,966,446-7,573,818 (607.4 kb, GRCh37 coordinates, 1-based), cytogenetic band Xp22.31.
Identifiers: ClinVar variation 3391946 (VCV003391946.1).